The following is an entry in ClinVar:

ClinVar aggregate classification (germline): Uncertain significance. Review status: criteria provided, multiple submitters, no conflicts (2 of 4 stars). 5 submissions from 5 submitters: Uncertain significance (5). Last evaluated 2024-05-22.

Conditions:
Inborn genetic diseases. Identifiers: MedGen C0950123, MeSH D030342.
Congenital sensory neuropathy with selective loss of small myelinated fibers (HSAN5). Also called: HSAN Type V. Identifiers: Orphanet 64752, MedGen C0020075, MONDO:0012092, OMIM 608654.

Allele frequency attached by ClinVar (database versions not stated): TOPMed 0.00006.
gnomAD v4.1: 68 of 1,614,020 alleles (0.0042%); highest among the groups gnomAD compares: Non-Finnish European, 0.0048%; no homozygotes.

Submissions (5):

Ambry Genetics
Classification: Uncertain significance for Inborn genetic diseases. Last evaluated: 2024-05-22. Review status: criteria provided, single submitter. Criteria: Ambry Variant Classification Scheme 2023. Collection method: clinical testing. Allele origin: germline.

Genome-Nilou Lab
Classification: Uncertain significance for Congenital sensory neuropathy with selective loss of small myelinated fibers. Last evaluated: 2023-04-11. Review status: criteria provided, single submitter. Criteria: ACMG Guidelines, 2015. Collection method: clinical testing. Allele origin: germline. Affected: no.

Labcorp Genetics (formerly Invitae), Labcorp
Classification: Uncertain significance for Congenital sensory neuropathy with selective loss of small myelinated fibers. Last evaluated: 2022-05-24. Review status: criteria provided, single submitter. Criteria: Invitae Variant Classification Sherloc (09022015). Collection method: clinical testing. Allele origin: germline.
Comment: This sequence change replaces glycine, which is neutral and non-polar, with arginine, which is basic and polar, at codon 188 of the NGF protein (p.Gly188Arg). This variant is present in population databases (rs760753923, gnomAD 0.006%). This variant has not been reported in the literature in individuals affected with NGF-related conditions. ClinVar contains an entry for this variant (Variation ID: 246559). Algorithms developed to predict the effect of missense changes on protein structure and function (SIFT, PolyPhen-2, Align-GVGD) all suggest that this variant is likely to be disruptive. Algorithms developed to predict the effect of sequence changes on RNA splicing suggest that this variant may create or strengthen a splice site. In summary, the available evidence is currently insufficient to determine the role of this variant in disease. Therefore, it has been classified as a Variant of Uncertain Significance.

GeneDx
Classification: Uncertain significance. Last evaluated: 2022-04-29. Review status: criteria provided, single submitter. Criteria: GeneDx Variant Classification Process June 2021. Collection method: clinical testing. Allele origin: germline. Affected: yes.
Comment: In silico analysis supports that this missense variant has a deleterious effect on protein structure/function; Has not been previously published as pathogenic or benign to our knowledge

Baylor Genetics
Classification: Uncertain significance for Congenital sensory neuropathy with selective loss of small myelinated fibers. Last evaluated: 2020-08-19. Review status: criteria provided, single submitter. Criteria: ACMG Guidelines, 2015. Collection method: clinical testing. Allele origin: unknown. Affected: yes.
Comment: This variant was determined to be of uncertain significance according to ACMG Guidelines, 2015 [PMID:25741868].

NM_002506.3(NGF):c.562G>A (p.Gly188Arg)

Genes: NGF (nerve growth factor; minus strand), NGF-AS1 (NGF antisense RNA 1; plus strand). Cytogenetic location: 1p13.2.
Variant type: single nucleotide variant.
Coding change: c.562G>A on transcript NM_002506.3 (MANE Select); coding-DNA position 562, G replaced by A.
Protein change: p.Gly188Arg; replaces glycine 188 with arginine.
Molecular consequence: missense variant.
Genome position (GRCh38, 1-based): chr1:115,286,234, C>T on the plus strand (G>A on the coding strand, the complement: NGF is on the minus strand). VCF-style: chr1-115286234-C-T. GRCh37 (hg19) VCF-style: chr1-115828855-C-T.
Other names: short protein forms G188R.
Identifiers: ClinVar variation 246559 (VCV000246559.13), dbSNP rs760753923, ClinGen allele CA1022951.